The following is an entry in ClinVar:

ClinVar aggregate classification (germline): Uncertain significance (1 of 4 stars; one submission).

Submission:

CeGaT Center for Human Genetics Tuebingen
Classification: Uncertain significance. Last evaluated: 2022-11-01. Review status: criteria provided, single submitter. Criteria: CeGaT Center For Human Genetics Tuebingen Variant Classification Criteria Version 2. Collection method: clinical testing. Allele origin: germline. Affected: yes. Observed: 1 variant allele.
Comment: FAT2: PM2, BP4

NM_001447.3(FAT2):c.12212G>C (p.Arg4071Pro)

Genes: FAT2 (FAT atypical cadherin 2; minus strand), SLC36A1 (solute carrier family 36 member 1; plus strand). Cytogenetic location: 5q33.1.
Variant type: single nucleotide variant.
Coding change: c.12212G>C on transcript NM_001447.3 (MANE Select); coding-DNA position 12212, G replaced by C.
Protein change: p.Arg4071Pro; replaces arginine 4071 with proline.
Molecular consequence: missense variant.
Genome position (GRCh38, 1-based): chr5:151,507,459, C>G on the plus strand (G>C on the coding strand, the complement: FAT2 is on the minus strand). VCF-style: chr5-151507459-C-G. GRCh37 (hg19) VCF-style: chr5-150887020-C-G.
Other names: short protein forms R4071P.
Identifiers: ClinVar variation 2655948 (VCV002655948.24), dbSNP rs1448093304, ClinGen allele CA361819668.